The following is an entry in ClinVar:

NM_018297.4(NGLY1):c.1261-3C>T

Gene: NGLY1 (N-glycanase 1; minus strand). Cytogenetic location: 3p24.2.
Variant type: single nucleotide variant.
Coding change: c.1261-3C>T on transcript NM_018297.4 (MANE Select); 3 bases into the intron before coding-DNA position 1261, C replaced by T.
Molecular consequence: intron variant.
Genome position (GRCh38, 1-based): chr3:25,732,486, G>A on the plus strand (C>T on the coding strand, the complement: NGLY1 is on the minus strand). VCF-style: chr3-25732486-G-A. GRCh37 (hg19) VCF-style: chr3-25773977-G-A.
Other names: c.1135-3C>T (NM_001145294.2); c.1261-3C>T (NM_001145295.2); c.1207-3C>T (NM_001145293.2).
Identifiers: ClinVar variation 947485 (VCV000947485.4), dbSNP rs1368590319, ClinGen allele CA541718899.
Genomic context (GRCh38, chr3:25,732,486, plus strand): 5'-CCACAATTATCCTCTGGAGAAGTTCTTTCCTTCTGTTTTCTGACAAAAACAGTTGCCTCT[G>A]TAATTCATGTTTTTTAAAAAAGTTGTTAAGATTAGGGGAATGTATAGGTCCATCTCTAAG-3'

ClinVar aggregate classification (germline): Uncertain significance (1 of 4 stars; one submission).

Conditions:
Congenital disorder of deglycosylation (CDDG). Identifiers: MedGen C3808991, MONDO:0031376.

Allele frequency attached by ClinVar (database versions not stated): gnomAD 0.00001; gnomAD exomes below 0.00001; TOPMed below 0.00001.
gnomAD v4.1: 5 of 1,608,886 alleles (0.00031%); highest among the groups gnomAD compares: Admixed American, 0.0017%; no homozygotes.

Submission:

Labcorp Genetics (formerly Invitae), Labcorp
Classification: Uncertain significance for Congenital disorder of deglycosylation. Last evaluated: 2022-06-30. Review status: criteria provided, single submitter. Criteria: Invitae Variant Classification Sherloc (09022015). Collection method: clinical testing. Allele origin: germline.
Comment: This sequence change falls in intron 8 of the NGLY1 gene. It does not directly change the encoded amino acid sequence of the NGLY1 protein. It affects a nucleotide within the consensus splice site. This variant is present in population databases (no rsID available, gnomAD 0.003%). This variant has not been reported in the literature in individuals affected with NGLY1-related conditions. ClinVar contains an entry for this variant (Variation ID: 947485). Variants that disrupt the consensus splice site are a relatively common cause of aberrant splicing (PMID: 17576681, 9536098). Algorithms developed to predict the effect of sequence changes on RNA splicing suggest that this variant may disrupt the consensus splice site. In summary, the available evidence is currently insufficient to determine the role of this variant in disease. Therefore, it has been classified as a Variant of Uncertain Significance.

Literature cited by the submitters: PubMed 17576681; PubMed 9536098.